The following is an entry in ClinVar:

ClinVar aggregate classification (germline): Uncertain significance. Review status: criteria provided, single submitter (1 of 4 stars). 2 submissions from 2 submitters: Uncertain significance (1). 1 of the submissions does not count toward it. Last evaluated 2024-03-29.

Conditions:
RASA1-related disorder. Also called: RASA1-related condition.
Capillary malformation-arteriovenous malformation syndrome. Also called: Capillary malformation-arteriovenous malformation. Identifiers: Orphanet 137667, MedGen C1842180, MONDO:0012016.

Submissions (2):

Labcorp Genetics (formerly Invitae), Labcorp
Classification: Uncertain significance for Capillary malformation-arteriovenous malformation syndrome. Last evaluated: 2024-03-29. Review status: criteria provided, single submitter. Criteria: Invitae Variant Classification Sherloc (09022015). Collection method: clinical testing. Allele origin: germline.
Comment: This sequence change replaces serine, which is neutral and polar, with leucine, which is neutral and non-polar, at codon 919 of the RASA1 protein (p.Ser919Leu). This variant is not present in population databases (gnomAD no frequency). This variant has not been reported in the literature in individuals affected with RASA1-related conditions. An algorithm developed to predict the effect of missense changes on protein structure and function (PolyPhen-2) suggests that this variant is likely to be tolerated. Algorithms developed to predict the effect of sequence changes on RNA splicing suggest that this variant may disrupt the consensus splice site. In summary, the available evidence is currently insufficient to determine the role of this variant in disease. Therefore, it has been classified as a Variant of Uncertain Significance.

PreventionGenetics, part of Exact Sciences
Classification: Uncertain significance for RASA1-related condition. Last evaluated: 2023-12-15. Review status: no assertion criteria provided. Collection method: clinical testing. Allele origin: germline. Not counted in ClinVar's aggregate classification.
Comment: The RASA1 c.2756C>T variant is predicted to result in the amino acid substitution p.Ser919Leu. To our knowledge, this variant has not been reported in the literature or in a large population database, indicating this variant is rare. At this time, the clinical significance of this variant is uncertain due to the absence of conclusive functional and genetic evidence.

NM_002890.3(RASA1):c.2756C>T (p.Ser919Leu)

Genes: CCNH (cyclin H; minus strand), RASA1 (RAS p21 protein activator 1; plus strand). Cytogenetic location: 5q14.3.
Variant type: single nucleotide variant.
Coding change: c.2756C>T on transcript NM_002890.3 (MANE Select); coding-DNA position 2756, C replaced by T.
Protein change: p.Ser919Leu; replaces serine 919 with leucine.
Molecular consequence: missense variant. On other transcripts: intron variant (1).
Genome position (GRCh38, 1-based): chr5:87,383,778, C>T. VCF-style: chr5-87383778-C-T. GRCh37 (hg19) VCF-style: chr5-86679595-C-T.
Other names: c.2225C>T, p.Ser742Leu (NM_022650.3); c.933+11266G>A (NM_001364075.2); short protein forms S742L, S919L.
Identifiers: ClinVar variation 3037536 (VCV003037536.4), dbSNP rs2531374147, ClinGen allele CA360386439.
Genomic context (GRCh38, chr5:87,383,778, plus strand): 5'-TTGTTTTTCTTCGACTCATCTGTCCTGCCATCCTGAATCCACGGATGTTCAATATCATCT[C>T]AGGTAATCAGCTTTTGATACATTTTGAAATTCAAAATATTAGAATTAACAGTTTCATACT-3'
Protein context (NP_002881.1, residues 909-929): ILNPRMFNII[Ser919Leu]DSPSPIAART